The following is an entry in ClinVar:

NM_001283009.2(RTEL1):c.811G>A (p.Asp271Asn)

Genes: RTEL1 (regulator of telomere elongation helicase 1; plus strand), RTEL1-TNFRSF6B (RTEL1-TNFRSF6B readthrough (NMD candidate); plus strand). Cytogenetic location: 20q13.33.
Variant type: single nucleotide variant.
Coding change: c.811G>A on transcript NM_001283009.2 (MANE Select); coding-DNA position 811, G replaced by A.
Protein change: p.Asp271Asn; replaces aspartic acid 271 with asparagine.
Molecular consequence: missense variant. On other transcripts: non-coding transcript variant (1).
Genome position (GRCh38, 1-based): chr20:63,673,985, G>A. VCF-style: chr20-63673985-G-A. GRCh37 (hg19) VCF-style: chr20-62305338-G-A.
Other names: c.142G>A, p.Asp48Asn (NM_001283010.1); c.811G>A, p.Asp271Asn (NM_016434.4); c.883G>A, p.Asp295Asn (NM_032957.5); short protein forms D271N, D295N, D48N.
Identifiers: ClinVar variation 4629607 (VCV004629607.1).

ClinVar aggregate classification (germline): Uncertain significance (1 of 4 stars; one submission).

Conditions:
Inborn genetic diseases. Identifiers: MedGen C0950123, MeSH D030342.

Submission:

Ambry Genetics
Classification: Uncertain significance for Inborn genetic diseases. Last evaluated: 2025-11-12. Review status: criteria provided, single submitter. Criteria: Ambry Variant Classification Scheme 2023. Collection method: clinical testing. Allele origin: germline.
Comment: The p.D271N variant (also known as c.811G>A), located in coding exon 9 of the RTEL1 gene, results from a G to A substitution at nucleotide position 811. The aspartic acid at codon 271 is replaced by asparagine, an amino acid with highly similar properties. This amino acid position is conserved. In addition, this alteration is predicted to be tolerated by in silico analysis. Based on the available evidence, the clinical significance of this variant remains unclear.